The following is an entry in ClinVar:

NM_000284.4(PDHA1):c.57+2482G>A

Gene: PDHA1 (pyruvate dehydrogenase E1 subunit alpha 1; plus strand). Cytogenetic location: Xp22.12.
Variant type: single nucleotide variant.
Coding change: c.57+2482G>A on transcript NM_000284.4 (MANE Select); 2482 bases into the intron after coding-DNA position 57, G replaced by A.
Molecular consequence: intron variant. On other transcripts: missense variant (1).
Genome position (GRCh38, 1-based): chrX:19,346,576, G>A. VCF-style: chrX-19346576-G-A. GRCh37 (hg19) VCF-style: chrX-19364694-G-A.
Other names: c.124G>A, p.Gly42Ser (NM_001173454.2); c.57+2482G>A (NM_001173455.2, NM_001173456.2); short protein forms G42S.
Identifiers: ClinVar variation 377151 (VCV000377151.3), dbSNP rs145749914, ClinGen allele CA10362973.

ClinVar aggregate classification (germline): Benign. Review status: criteria provided, multiple submitters, no conflicts (2 of 4 stars). 3 submissions from 3 submitters: Benign (3). Last evaluated 2017-01-05.

Allele frequency attached by ClinVar (database versions not stated): gnomAD exomes 0.00177 and 0.00205; ExAC 0.00716; 1000 Genomes Project 0.01722; 1000 Genomes Project 30x 0.01935; gnomAD 0.01957 and 0.02089; TOPMed 0.02183.
gnomAD v4.1: 3,630 of 867,742 alleles (0.42%); highest among the groups gnomAD compares: African/African-American, 6.4%; 97 homozygotes.

Submissions (3):

Center for Pediatric Genomic Medicine, Children's Mercy Hospital and Clinics
Classification: Benign. Last evaluated: 2017-01-05. Review status: criteria provided, single submitter. Criteria: ACMG Guidelines, 2015. Collection method: clinical testing. Allele origin: germline.

GeneDx
Classification: Benign. Last evaluated: 2015-06-09. Review status: criteria provided, single submitter. Criteria: GeneDx Variant Classification (06012015). Collection method: clinical testing. Allele origin: germline. Affected: yes.
Comment: This variant is considered likely benign or benign based on one or more of the following criteria: it is a conservative change, it occurs at a poorly conserved position in the protein, it is predicted to be benign by multiple in silico algorithms, and/or has population frequency not consistent with disease.

Breakthrough Genomics
Classification: Benign. Review status: criteria provided, single submitter. Criteria: ACMG Guidelines, 2015. Collection method: not provided. Allele origin: germline. Inheritance: X-linked inheritance. Affected: yes.